The following is an entry in ClinVar:

NM_032119.4(ADGRV1):c.11222G>A (p.Arg3741His)

Gene: ADGRV1 (adhesion G protein-coupled receptor V1; plus strand). Cytogenetic location: 5q14.3.
Variant type: single nucleotide variant.
Coding change: c.11222G>A on transcript NM_032119.4 (MANE Select); coding-DNA position 11222, G replaced by A.
Protein change: p.Arg3741His; replaces arginine 3741 with histidine.
Molecular consequence: missense variant. On other transcripts: non-coding transcript variant (1).
Genome position (GRCh38, 1-based): chr5:90,753,674, G>A. VCF-style: chr5-90753674-G-A. GRCh37 (hg19) VCF-style: chr5-90049491-G-A.
Other names: c.11222G>A (NM_032119.3); short protein forms R3741H.
Identifiers: ClinVar variation 1057890 (VCV001057890.13), dbSNP rs560299477, ClinGen allele CA3340929.

ClinVar aggregate classification (germline): Conflicting classifications of pathogenicity. Review status: criteria provided, conflicting classifications (1 of 4 stars). 3 submissions from 3 submitters: Uncertain significance (1); Likely benign (2). Last evaluated 2026-01-28.

Conditions:
Inborn genetic diseases. Identifiers: MedGen C0950123, MeSH D030342.

Allele frequency attached by ClinVar (database versions not stated): gnomAD 0.00004 and 0.00005; gnomAD exomes 0.00004 and 0.00011; ExAC 0.00005; TOPMed 0.00005; 1000 Genomes Project 0.00020; 1000 Genomes Project 30x 0.00031.
gnomAD v4.1: 169 of 1,613,492 alleles (0.01%); highest among the groups gnomAD compares: Non-Finnish European, 0.013%; no homozygotes.

Submissions (3):

Labcorp Genetics (formerly Invitae), Labcorp
Classification: Likely benign. Last evaluated: 2026-01-28. Review status: criteria provided, single submitter. Criteria: Invitae Variant Classification Sherloc (09022015). Collection method: clinical testing. Allele origin: germline.

GeneDx
Classification: Uncertain significance. Last evaluated: 2024-05-08. Review status: criteria provided, single submitter. Criteria: GeneDx Variant Classification Process June 2021. Collection method: clinical testing. Allele origin: germline. Affected: yes.
Comment: In silico analysis indicates that this missense variant does not alter protein structure/function; Has not been previously published as pathogenic or benign to our knowledge

Ambry Genetics
Classification: Likely benign for Inborn genetic diseases. Last evaluated: 2022-12-05. Review status: criteria provided, single submitter. Criteria: Ambry Variant Classification Scheme 2023. Collection method: clinical testing. Allele origin: germline.